The following is an entry in ClinVar:

NM_182914.3(SYNE2):c.16084A>G (p.Thr5362Ala)

Gene: SYNE2 (spectrin repeat containing nuclear envelope protein 2; plus strand). Cytogenetic location: 14q23.2.
Variant type: single nucleotide variant.
Coding change: c.16084A>G on transcript NM_182914.3 (MANE Select); coding-DNA position 16084, A replaced by G.
Protein change: p.Thr5362Ala; replaces threonine 5362 with alanine.
Molecular consequence: missense variant.
Genome position (GRCh38, 1-based): chr14:64,159,432, A>G. VCF-style: chr14-64159432-A-G. GRCh37 (hg19) VCF-style: chr14-64626150-A-G.
Other names: c.16084A>G (NM_182914.2); c.16084A>G, p.Thr5362Ala (NM_015180.6); short protein forms T5362A.
Identifiers: ClinVar variation 1467252 (VCV001467252.9), dbSNP rs141943858, ClinGen allele CA7223249.

ClinVar aggregate classification (germline): Uncertain significance. Review status: criteria provided, multiple submitters, no conflicts (2 of 4 stars). 2 submissions from 2 submitters: Uncertain significance (2). Last evaluated 2025-11-15.

Conditions:
Emery-Dreifuss muscular dystrophy 5, autosomal dominant (EDMD5). Also called: EMERY-DREIFUSS MUSCULAR DYSTROPHY 5. Identifiers: Orphanet 261, MedGen C2751805, MONDO:0013072, OMIM 612999.

Allele frequency attached by ClinVar (database versions not stated): ExAC 0.00004; gnomAD exomes 0.00004; gnomAD 0.00005 and 0.00006; TOPMed 0.00006; ESP Exome Variant Server 0.00008.
gnomAD v4.1: 184 of 1,613,588 alleles (0.011%); highest among the groups gnomAD compares: Non-Finnish European, 0.015%; no homozygotes.

Submissions (2):

Labcorp Genetics (formerly Invitae), Labcorp
Classification: Uncertain significance for Emery-Dreifuss muscular dystrophy 5, autosomal dominant. Last evaluated: 2025-11-15. Review status: criteria provided, single submitter. Criteria: Invitae Variant Classification Sherloc (09022015). Collection method: clinical testing. Allele origin: germline.
Comment: This sequence change replaces threonine, which is neutral and polar, with alanine, which is neutral and non-polar, at codon 5362 of the SYNE2 protein (p.Thr5362Ala). This variant is present in population databases (rs141943858, gnomAD 0.009%). This variant has not been reported in the literature in individuals affected with SYNE2-related conditions. ClinVar contains an entry for this variant (Variation ID: 1467252). An algorithm developed to predict the effect of missense changes on protein structure and function outputs the following: PolyPhen-2: "Benign". The alanine amino acid residue is found in multiple mammalian species, which suggests that this missense change does not adversely affect protein function. In summary, the available evidence is currently insufficient to determine the role of this variant in disease. Therefore, it has been classified as a Variant of Uncertain Significance.

Ambry Genetics
Classification: Uncertain significance. Last evaluated: 2025-11-03. Review status: criteria provided, single submitter. Criteria: Ambry Variant Classification Scheme 2023. Collection method: clinical testing. Allele origin: germline.